The following is an entry in ClinVar:

ClinVar aggregate classification (germline): Uncertain significance. Review status: criteria provided, multiple submitters, no conflicts (2 of 4 stars). 2 submissions from 2 submitters: Uncertain significance (2). Last evaluated 2022-11-08.

Conditions:
Inborn genetic diseases. Identifiers: MedGen C0950123, MeSH D030342.
Cohen syndrome (COH1). Also called: PEPPER SYNDROME; Cutis verticis gyrata, retinitis pigmentosa, and sensorineural deafness. Identifiers: Orphanet 193, MedGen C0265223, MONDO:0008999, OMIM 216550.

Allele frequency attached by ClinVar (database versions not stated): ExAC 0.00001; gnomAD 0.00001.
gnomAD v4.1: 31 of 1,613,892 alleles (0.0019%); highest among the groups gnomAD compares: Non-Finnish European, 0.0024%; no homozygotes.

Submissions (2):

Ambry Genetics
Classification: Uncertain significance for Inborn genetic diseases. Last evaluated: 2022-11-08. Review status: criteria provided, single submitter. Criteria: Ambry Variant Classification Scheme 2023. Collection method: clinical testing. Allele origin: germline.

Labcorp Genetics (formerly Invitae), Labcorp
Classification: Uncertain significance for Cohen syndrome. Last evaluated: 2022-08-08. Review status: criteria provided, single submitter. Criteria: Invitae Variant Classification Sherloc (09022015). Collection method: clinical testing. Allele origin: germline.
Comment: This sequence change replaces alanine, which is neutral and non-polar, with threonine, which is neutral and polar, at codon 2077 of the VPS13B protein (p.Ala2077Thr). This variant is present in population databases (rs765025227, gnomAD 0.005%). This variant has not been reported in the literature in individuals affected with VPS13B-related conditions. Algorithms developed to predict the effect of missense changes on protein structure and function are either unavailable or do not agree on the potential impact of this missense change (SIFT: "Not Available"; PolyPhen-2: "Possibly Damaging"; Align-GVGD: "Not Available"). In summary, the available evidence is currently insufficient to determine the role of this variant in disease. Therefore, it has been classified as a Variant of Uncertain Significance.

NM_152564.5(VPS13B):c.6154G>A (p.Ala2052Thr)

Gene: VPS13B (vacuolar protein sorting 13 homolog B; plus strand). Cytogenetic location: 8q22.2.
Variant type: single nucleotide variant.
Coding change: c.6154G>A on transcript NM_152564.5 (MANE Select); coding-DNA position 6154, G replaced by A.
Protein change: p.Ala2052Thr; replaces alanine 2052 with threonine.
Molecular consequence: missense variant.
Genome position (GRCh38, 1-based): chr8:99,699,632, G>A. VCF-style: chr8-99699632-G-A. GRCh37 (hg19) VCF-style: chr8-100711860-G-A.
Other names: c.6229G>A (NM_017890.3); c.6229G>A, p.Ala2077Thr (NM_017890.5); short protein forms A2077T, A2052T.
Identifiers: ClinVar variation 2151651 (VCV002151651.2), dbSNP rs765025227, ClinGen allele CA4823948.